The following is an entry in ClinVar:

NM_001031689.3(PLAA):c.1439G>A (p.Gly480Asp)

Gene: PLAA (phospholipase A2 activating protein; minus strand). Cytogenetic location: 9p21.2.
Variant type: single nucleotide variant.
Coding change: c.1439G>A on transcript NM_001031689.3 (MANE Select); coding-DNA position 1439, G replaced by A.
Protein change: p.Gly480Asp; replaces glycine 480 with aspartic acid.
Molecular consequence: missense variant. On other transcripts: intron variant (1).
Genome position (GRCh38, 1-based): chr9:26,917,144, C>T on the plus strand (G>A on the coding strand, the complement: PLAA is on the minus strand). VCF-style: chr9-26917144-C-T. GRCh37 (hg19) VCF-style: chr9-26917142-C-T.
Other names: c.1417+2166G>A (NM_001321546.2); short protein forms G480D.
Identifiers: ClinVar variation 1361873 (VCV001361873.4), dbSNP rs750963386, ClinGen allele CA5014369.

ClinVar aggregate classification (germline): Uncertain significance (1 of 4 stars; one submission).

Allele frequency attached by ClinVar (database versions not stated): gnomAD exomes below 0.00001; ExAC 0.00001.

Submission:

Labcorp Genetics (formerly Invitae), Labcorp
Classification: Uncertain significance. Last evaluated: 2025-08-21. Review status: criteria provided, single submitter. Criteria: Invitae Variant Classification Sherloc (09022015). Collection method: clinical testing. Allele origin: germline.
Comment: This sequence change replaces glycine, which is neutral and non-polar, with aspartic acid, which is acidic and polar, at codon 480 of the PLAA protein (p.Gly480Asp). This variant is present in population databases (rs750963386, gnomAD 0.003%). This variant has not been reported in the literature in individuals affected with PLAA-related conditions. ClinVar contains an entry for this variant (Variation ID: 1361873). Invitae Evidence Modeling of protein sequence and biophysical properties (such as structural, functional, and spatial information, amino acid conservation, physicochemical variation, residue mobility, and thermodynamic stability) indicates that this missense variant is not expected to disrupt PLAA protein function with a negative predictive value of 80%. In summary, the available evidence is currently insufficient to determine the role of this variant in disease. Therefore, it has been classified as a Variant of Uncertain Significance.